The following is an entry in ClinVar:

ClinVar aggregate classification (germline): Uncertain significance (1 of 4 stars; one submission).

Conditions:
Candidiasis, familial, 9 (CANDF9). Identifiers: Orphanet 1334, MedGen C4225324, MONDO:0014642, OMIM 616445.

Submission:

Labcorp Genetics (formerly Invitae), Labcorp
Classification: Uncertain significance for Candidiasis, familial, 9. Last evaluated: 2020-03-03. Review status: criteria provided, single submitter. Criteria: Invitae Variant Classification Sherloc (09022015). Collection method: clinical testing. Allele origin: germline.
Comment: This variant is not present in population databases (ExAC no frequency). In summary, the available evidence is currently insufficient to determine the role of this variant in disease. Therefore, it has been classified as a Variant of Uncertain Significance. Algorithms developed to predict the effect of missense changes on protein structure and function are either unavailable or do not agree on the potential impact of this missense change (SIFT: "Deleterious"; PolyPhen-2: "Benign"; Align-GVGD: "Class C0"). This variant has not been reported in the literature in individuals with IL17RC-related conditions. This sequence change replaces valine with phenylalanine at codon 313 of the IL17RC protein (p.Val313Phe). The valine residue is weakly conserved and there is a small physicochemical difference between valine and phenylalanine.

NM_153460.4(IL17RC):c.724G>T (p.Val242Phe)

Gene: IL17RC (interleukin 17 receptor C; plus strand). Cytogenetic location: 3p25.3.
Variant type: single nucleotide variant.
Coding change: c.724G>T on transcript NM_153460.4 (MANE Select); coding-DNA position 724, G replaced by T.
Protein change: p.Val242Phe; replaces valine 242 with phenylalanine.
Molecular consequence: missense variant. On other transcripts: non-coding transcript variant (1), splice donor variant (1).
Genome position (GRCh38, 1-based): chr3:9,923,982, G>T. VCF-style: chr3-9923982-G-T. GRCh37 (hg19) VCF-style: chr3-9965666-G-T.
Other names: c.724G>T, p.Val242Phe (NM_001203263.2, NM_001203264.2); c.679G>T, p.Val227Phe (NM_001203265.2, NM_001367280.1, NM_001410711.1 and 1 more transcripts); c.604G>T, p.Val202Phe (NM_001367279.1); c.937G>T, p.Val313Phe (NM_153461.4); c.723+1G>T (NM_001367278.1); short protein forms V202F, V313F, V227F, V242F.
Identifiers: ClinVar variation 1043295 (VCV001043295.5), dbSNP rs2083823300, ClinGen allele CA351759775.